The following is an entry in ClinVar:

ClinVar aggregate classification (germline): Uncertain significance. Review status: criteria provided, multiple submitters, no conflicts (2 of 4 stars). 2 submissions from 2 submitters: Uncertain significance (2). Last evaluated 2022-04-15.

Conditions:
Immunodeficiency-centromeric instability-facial anomalies syndrome 2 (ICF2). Identifiers: Orphanet 2268, MedGen C3279748, MONDO:0013553, OMIM 614069.
Inborn genetic diseases. Identifiers: MedGen C0950123, MeSH D030342.

Submissions (2):

Labcorp Genetics (formerly Invitae), Labcorp
Classification: Uncertain significance for Immunodeficiency-centromeric instability-facial anomalies syndrome 2. Last evaluated: 2022-04-15. Review status: criteria provided, single submitter. Criteria: Invitae Variant Classification Sherloc (09022015). Collection method: clinical testing. Allele origin: germline.
Comment: This variant, c.445_447del, results in the deletion of 1 amino acid(s) of the ZBTB24 protein (p.Val149del), but otherwise preserves the integrity of the reading frame. This variant is present in population databases (rs749390499, gnomAD 0.006%). This variant has not been reported in the literature in individuals affected with ZBTB24-related conditions. In summary, the available evidence is currently insufficient to determine the role of this variant in disease. Therefore, it has been classified as a Variant of Uncertain Significance.

Ambry Genetics
Classification: Uncertain significance for Inborn genetic diseases. Last evaluated: 2022-03-15. Review status: criteria provided, single submitter. Criteria: Ambry Variant Classification Scheme 2023. Collection method: clinical testing. Allele origin: germline.
Comment: The c.445_447delGTT (p.V149del) alteration is located in exon 2 (coding exon 1) of the ZBTB24 gene. This alteration consists of an in-frame deletion of 3 nucleotides between nucleotide positions c.445 and c.447, resulting in the deletion of 1 residue. Based on insufficient or conflicting evidence, the clinical significance of this alteration remains unclear.

NM_014797.3(ZBTB24):c.442GTT[1] (p.Val149del)

Gene: ZBTB24 (zinc finger and BTB domain containing 24; minus strand). Cytogenetic location: 6q21.
Variant type: Microsatellite.
Coding change: c.442GTT[1] on transcript NM_014797.3 (MANE Select); one copy of the 3-base unit GTT starting at c.442; the reference has two copies in a row; one copy, 3 bases deleted.
Protein change: p.Val149del; deletes valine 149.
Molecular consequence: inframe deletion. On other transcripts: inframe indel (1).
Genome position (GRCh38, 1-based): chr6:109,481,580-109,481,582, AAC deleted on the plus strand (GTT on the coding strand, the reverse complement: ZBTB24 is on the minus strand); deleting any 3 consecutive bases within chr6:109,481,580-109,481,585 gives the same sequence; the position shown is the placement nearest the transcript's 3' end. VCF-style (leftmost placement, unchanged base first): chr6-109481579-TAAC-T. GRCh37 (hg19) VCF-style: chr6-109802782-TAAC-T.
Other names: c.442GTT[1], p.Val149del (NM_001164313.2); c.442_444GTT[1], p.Val149del (NM_014797.2); c.445_447delGTT (NM_014797.2); short protein forms V149del.
Identifiers: ClinVar variation 2345514 (VCV002345514.5), dbSNP rs749390499, ClinGen allele CA3954344.